The following is an entry in ClinVar:

NM_006035.4(CDC42BPB):c.2034G>C (p.Glu678Asp)

Gene: CDC42BPB (CDC42 binding protein kinase beta; minus strand). Cytogenetic location: 14q32.32.
Variant type: single nucleotide variant.
Coding change: c.2034G>C on transcript NM_006035.4 (MANE Select); coding-DNA position 2034, G replaced by C.
Protein change: p.Glu678Asp; replaces glutamic acid 678 with aspartic acid.
Molecular consequence: missense variant.
Genome position (GRCh38, 1-based): chr14:102,968,678, C>G on the plus strand (G>C on the coding strand, the complement: CDC42BPB is on the minus strand). VCF-style: chr14-102968678-C-G. GRCh37 (hg19) VCF-style: chr14-103435015-C-G.
Other names: c.2034G>C, p.Glu678Asp (NM_001411054.1); short protein forms E678D.
Identifiers: ClinVar variation 3362082 (VCV003362082.1).

ClinVar aggregate classification (germline): Uncertain significance (1 of 4 stars; one submission).

gnomAD v4.1: 1 of 1,614,184 alleles (0.000062%); highest among the groups gnomAD compares: Non-Finnish European, 0.000085%; no homozygotes.

Submission:

GeneDx
Classification: Uncertain significance. Last evaluated: 2023-05-31. Review status: criteria provided, single submitter. Criteria: GeneDx Variant Classification Process June 2021. Collection method: clinical testing. Allele origin: germline. Affected: yes.
Comment: Not observed at significant frequency in large population cohorts (gnomAD); In silico analysis supports that this missense variant does not alter protein structure/function; Has not been previously published as pathogenic or benign to our knowledge